The following is an entry in ClinVar:

ClinVar aggregate classification (germline): Pathogenic/Likely pathogenic. Review status: criteria provided, multiple submitters, no conflicts (2 of 4 stars). 3 submissions from 3 submitters: Pathogenic (1); Likely pathogenic (1). 1 of the submissions does not count toward it. Last evaluated 2022-06-09.

Conditions:
Dyskeratosis congenita, autosomal recessive 5 (DKCB5). Identifiers: MedGen C3554656, MONDO:0014076, OMIM 615190.
Pulmonary fibrosis and/or bone marrow failure, Telomere-related, 3. Also called: PULMONARY FIBROSIS AND/OR BONE MARROW FAILURE SYNDROME, TELOMERE-RELATED, 3. Identifiers: Orphanet 2032, MedGen C4225346, MONDO:0014613, OMIM 616373.
Pulmonary fibrosis. Identifiers: MedGen C0034069, MONDO:0002771, HP:0002206.

Allele frequency attached by ClinVar (database versions not stated): gnomAD exomes below 0.00001.
gnomAD v4.1: 1 of 1,609,032 alleles (0.000062%); highest among the groups gnomAD compares: Non-Finnish European, 0.000085%; no homozygotes.

Submissions (3):

Garcia Pulmonary Genetics Research Laboratory, Columbia University Irving Medical Center
Classification: Pathogenic for Pulmonary fibrosis. Last evaluated: 2022-06-09. Review status: criteria provided, single submitter. Criteria: ACMG Guidelines, 2015. Collection method: research. Allele origin: germline. Affected: yes.
Comment: Pathogenic criteria: null variant (PVS1) with functional study supportive of damaging effect (PS3): leukocyte telomere length (by qPCR) less than 10th percentile age-adjusted

Juno Genomics, Hangzhou Juno Genomics, Inc
Classification: Likely pathogenic for Pulmonary fibrosis and/or bone marrow failure, Telomere-related, 3; Dyskeratosis congenita, autosomal recessive 5. Review status: criteria provided, single submitter. Criteria: ACMG Guidelines, 2015. Collection method: clinical testing. Allele origin: germline.
Comment: Null variant in a gene where loss of function (LOF) is a known mechanism of disease.;Absent from controls (or at extremely low frequency if recessive) in Genome Aggregation Database.

OMIM
Classification: Pathogenic for PULMONARY FIBROSIS AND/OR BONE MARROW FAILURE SYNDROME, TELOMERE-RELATED, 3. Last evaluated: 2015-05-01. Review status: no assertion criteria provided. Collection method: literature only. Allele origin: germline. Not counted in ClinVar's aggregate classification.

Literature cited by the submitters: PubMed 25848748 (cited by OMIM).

NM_001283009.2(RTEL1):c.2005C>T (p.Gln669Ter)

Genes: RTEL1 (regulator of telomere elongation helicase 1; plus strand), RTEL1-TNFRSF6B (RTEL1-TNFRSF6B readthrough (NMD candidate); plus strand). Cytogenetic location: 20q13.33.
Variant type: single nucleotide variant.
Coding change: c.2005C>T on transcript NM_001283009.2 (MANE Select); coding-DNA position 2005, C replaced by T.
Protein change: p.Gln669Ter; replaces glutamine 669 with a stop codon.
Molecular consequence: nonsense. On other transcripts: non-coding transcript variant (1).
Genome position (GRCh38, 1-based): chr20:63,689,628, C>T. VCF-style: chr20-63689628-C-T. GRCh37 (hg19) VCF-style: chr20-62320981-C-T.
Other names: p.Gln669*; c.1336C>T, p.Gln446Ter (NM_001283010.1); c.2005C>T, p.Gln669Ter (NM_016434.4); c.2077C>T, p.Gln693Ter (NM_032957.5); short protein forms Q693*, Q669*, Q446*.
Identifiers: ClinVar variation 253011 (VCV000253011.32), dbSNP rs1555811762, ClinGen allele CA10586156.
Genomic context (GRCh38, chr20:63,689,628, plus strand): 5'-CCCCCACGCATGGACCCCCGGGTTGTCCTCAAGATGCAGTTCCTGGATGAGATGAAGGGC[C>T]AGGGTGGGGCTGGGGGCCAGGTGAGTTACAGCAGGGTGGGGCTGGGGTAAGGCGGTCTGG-3'